The following is an entry in ClinVar:

NM_001346754.2(PIGW):c.158G>A (p.Trp53Ter)

Genes: MYO19 (myosin XIX; minus strand), PIGW (phosphatidylinositol glycan anchor biosynthesis class W; plus strand). Cytogenetic location: 17q12.
Variant type: single nucleotide variant.
Coding change: c.158G>A on transcript NM_001346754.2 (MANE Select); coding-DNA position 158, G replaced by A.
Protein change: p.Trp53Ter; replaces tryptophan 53 with a stop codon.
Molecular consequence: nonsense.
Genome position (GRCh38, 1-based): chr17:36,537,259, G>A. VCF-style: chr17-36537259-G-A. GRCh37 (hg19) VCF-style: chr17-34893108-G-A.
Other names: c.158G>A, p.Trp53Ter (NM_001346755.2, NM_178517.5); short protein forms W53*.
Identifiers: ClinVar variation 3022946 (VCV003022946.3), dbSNP rs2510226169, ClinGen allele CA399161938.

ClinVar aggregate classification (germline): Uncertain significance (1 of 4 stars; one submission).

Conditions:
Hyperphosphatasia with intellectual disability syndrome 5 (GPIBD11). Also called: GLYCOSYLPHOSPHATIDYLINOSITOL BIOSYNTHESIS DEFECT 11. Identifiers: Orphanet 247262, MedGen C4014958, MONDO:0014457, OMIM 616025.

gnomAD v4.1: 1 of 1,613,876 alleles (0.000062%); highest among the groups gnomAD compares: Non-Finnish European, 0.000085%; no homozygotes.

Submission:

Labcorp Genetics (formerly Invitae), Labcorp
Classification: Uncertain significance for Hyperphosphatasia with intellectual disability syndrome 5. Last evaluated: 2023-02-11. Review status: criteria provided, single submitter. Criteria: Invitae Variant Classification Sherloc (09022015). Collection method: clinical testing. Allele origin: germline.
Comment: This sequence change creates a premature translational stop signal (p.Trp53*) in the PIGW gene. While this is not anticipated to result in nonsense mediated decay, it is expected to disrupt the last 452 amino acid(s) of the PIGW protein. In summary, the available evidence is currently insufficient to determine the role of this variant in disease. Therefore, it has been classified as a Variant of Uncertain Significance. This variant has not been reported in the literature in individuals affected with PIGW-related conditions. This variant is not present in population databases (gnomAD no frequency).